The following is an entry in ClinVar:

ClinVar aggregate classification (germline): Pathogenic. Review status: criteria provided, multiple submitters, no conflicts (2 of 4 stars). 5 submissions from 5 submitters: Pathogenic (4). 1 of the submissions does not count toward it. Last evaluated 2024-06-04.

Conditions:
6-Pyruvoyl-tetrahydrobiopterin synthase deficiency. Also called: 6-Pyruvoyltetrahydropterin Synthase Deficiency; PTS DEFICIENCY; HYPERPHENYLALANINEMIA, TETRAHYDROBIOPTERIN-DEFICIENT, DUE TO PTS DEFICIENCY; PTS-Related Tetrahydrobiopterin Deficiency; BH4-deficient hyperphenylalaninemia A; Hyperphenylalanemia, BH4-deficient, A. Identifiers: Orphanet 13, Orphanet 238583, MedGen C0878676, MONDO:0009863, OMIM 261640.

Submissions (5):

Natera, Inc.
Classification: Pathogenic for 6-Pyruvoyl-tetrahydrobiopterin synthase deficiency. Last evaluated: 2024-06-04. Review status: criteria provided, single submitter. Criteria: Natera Variant Classification Schema (03/2026). Collection method: clinical testing. Allele origin: germline.
Comment: The c.118_121delTTTG variant in PTS is a frameshift variant predicted to shift the reading frame beginning at codon 40 and leads to a stop codon 17 codons downstream. This variant is expected to result in nonsense mediated decay, truncation, or a dysfunctional protein product. This variant is rare in the general population with a frequency below the threshold expected for the associated phenotype(s). This variant has been observed in one or more individuals affected with the associated recessive disease, as either homozygous or compound heterozygous with a second variant (PMID: 27243974). Given the available evidence, this variant is classified as Pathogenic.

Labcorp Genetics (formerly Invitae), Labcorp
Classification: Pathogenic for 6-Pyruvoyl-tetrahydrobiopterin synthase deficiency. Last evaluated: 2023-12-19. Review status: criteria provided, single submitter. Criteria: Invitae Variant Classification Sherloc (09022015). Collection method: clinical testing. Allele origin: germline.
Comment: This sequence change creates a premature translational stop signal (p.Phe40Glyfs*17) in the PTS gene. It is expected to result in an absent or disrupted protein product. Loss-of-function variants in PTS are known to be pathogenic (PMID: 3297709, 16917893). This variant is present in population databases (rs747260038, gnomAD 0.003%). This premature translational stop signal has been observed in individual(s) with 6-pyruvoyl-tetrahydropterin synthase deficiency (PMID: 23138986). ClinVar contains an entry for this variant (Variation ID: 550850). For these reasons, this variant has been classified as Pathogenic.

Genome-Nilou Lab
Classification: Pathogenic for 6-Pyruvoyl-tetrahydrobiopterin synthase deficiency. Last evaluated: 2021-09-05. Review status: criteria provided, single submitter. Criteria: ACMG Guidelines, 2015. Collection method: clinical testing. Allele origin: germline. Affected: no.

GeneDx
Classification: Pathogenic. Last evaluated: 2018-07-10. Review status: criteria provided, single submitter. Criteria: GeneDx Variant Classification (06012015). Collection method: clinical testing. Allele origin: germline. Affected: yes.
Comment: The c.118_121delTTTG variant in the PTS gene has been reported previously using alternate nomenclature (c.116_119del) in a heterozygous individual with mild hyperphenylalaninemia and no identifiable second variant (Liu et al., 2001). The c.118_121delTTTG variant causes a frameshift starting with codon Phenylalanine 40, changes this amino acid to a Glycine residue, and creates a premature Stop codon at position 17 of the new reading frame, denoted p.Phe40GlyfsX17. This variant is predicted to cause loss of normal protein function either through protein truncation or nonsense-mediated mRNA decay. The c.118_121delTTTG variant is not observed at a significant frequency in large population cohorts (Lek et al., 2016). We interpret c.118_121delTTTG as a pathogenic variant.

Counsyl
Classification: Pathogenic for 6-Pyruvoyl-tetrahydrobiopterin synthase deficiency. Last evaluated: 2017-02-24. Review status: no assertion criteria provided. Collection method: clinical testing. Allele origin: unknown. Not counted in ClinVar's aggregate classification.

Literature cited by the submitters: PubMed 27243974 (cited by Natera, Inc.); PubMed 3297709 (cited by Labcorp Genetics (formerly Invitae), Labcorp); PubMed 16917893 (cited by Labcorp Genetics (formerly Invitae), Labcorp and Counsyl); PubMed 23138986 (cited by Labcorp Genetics (formerly Invitae), Labcorp and Counsyl); PubMed 22237589 (cited by Counsyl); PubMed 11694255 (cited by Counsyl).

NM_000317.3(PTS):c.118_121del (p.Phe40fs)

Gene: PTS (6-pyruvoyltetrahydropterin synthase; plus strand). Cytogenetic location: 11q23.1.
Variant type: Deletion.
Coding change: c.118_121del on transcript NM_000317.3 (MANE Select); coding-DNA positions 118 to 121, 4 bases deleted (TTTG; older notation c.118_121delTTTG).
Protein change: p.Phe40fs; shifts the reading frame from phenylalanine 40.
Molecular consequence: frameshift variant.
Genome position (GRCh38, 1-based): chr11:112,228,628-112,228,631, TTTG deleted; deleting any 4 consecutive bases within chr11:112,228,626-112,228,631 gives the same sequence; the c. name uses the placement nearest the transcript's 3' end. VCF-style (leftmost placement, unchanged base first): chr11-112228625-CTGTT-C. GRCh37 (hg19) VCF-style: chr11-112099348-CTGTT-C.
Other names: c.118_121del (NM_000317.2); short protein forms F40fs.
Identifiers: ClinVar variation 550850 (VCV000550850.19), dbSNP rs747260038, ClinGen allele CA6278465.